The following is an entry in ClinVar:

ClinVar aggregate classification (germline): Pathogenic (1 of 4 stars; one submission).

Submission:

ISCA site 4
Classification: Pathogenic. Last evaluated: 2011-08-12. Review status: criteria provided, single submitter. Criteria: Kaminsky et al. (Genet Med. 2011). Collection method: clinical testing. Allele origin: unknown. Affected: yes. Observed: 1 variant allele.
Comment: Copy number variation identified through the course of routine clinical cytogenomic testing in postnatal populations. Clinical assertions have been curated as described in Kaminsky et al. 2011.

GRCh38/hg38 7p22.1-21.3(chr7:6106402-11012657)x1

Genes: C1GALT1 (core 1 synthase, glycoprotein-N-acetylgalactosamine 3-beta-galactosyltransferase 1; plus strand), CCZ1B (CCZ1 homolog B, vacuolar protein trafficking and biogenesis associated; minus strand), COL28A1 (collagen type XXVIII alpha 1 chain; minus strand), CYTH3 (cytohesin 3; minus strand), DAGLB (diacylglycerol lipase beta; minus strand) and 128 more. Cytogenetic location: 7p22.1-21.3.
Variant type: copy number loss.
Change: copy number 1 (one copy instead of two) of chr7:6,106,402-11,012,657 (4.91 Mb, GRCh38 coordinates, 1-based), cytogenetic band 7p22.1-21.3.
Identifiers: ClinVar variation 57254 (VCV000057254.1).